The following is an entry in ClinVar:

ClinVar aggregate classification (germline): Uncertain significance (1 of 4 stars; one submission).

Submission:

GeneDx
Classification: Uncertain significance. Last evaluated: 2024-07-23. Review status: criteria provided, single submitter. Criteria: GeneDx Variant Classification Process June 2021. Collection method: clinical testing. Allele origin: germline. Affected: yes.
Comment: Not observed at significant frequency in large population cohorts (gnomAD); In-frame insertion of 2 amino acids in a non-repeat region; Has not been previously published as pathogenic or benign to our knowledge

NM_018896.5(CACNA1G):c.880_885dup (p.Gly295_Pro296insGlyGly)

Gene: CACNA1G (calcium voltage-gated channel subunit alpha1 G; plus strand). Cytogenetic location: 17q21.33.
Variant type: Duplication.
Coding change: c.880_885dup on transcript NM_018896.5 (MANE Select); coding-DNA positions 880 to 885, 6 bases duplicated (GGTGGC; older notation c.880_885dupGGTGGC).
Protein change: p.Gly295_Pro296insGlyGly.
Molecular consequence: non-coding transcript variant (on NR_046054.2).
Genome position (GRCh38, 1-based): chr17:50,572,687-50,572,692, GGTGGC duplicated; duplicating any 6 consecutive bases within chr17:50,572,684-50,572,692 gives the same sequence; the c. name uses the placement nearest the transcript's 3' end. VCF-style (leftmost placement, unchanged base first): chr17-50572683-G-GGGCGGT. GRCh37 (hg19) VCF-style: chr17-48650044-G-GGGCGGT.
Other names: c.880_885dup, p.Gly295_Pro296insGlyGly (NM_001256324.2, NM_001256325.2, NM_001256326.2 and 24 more transcripts).
Identifiers: ClinVar variation 3600857 (VCV003600857.1).